The following is an entry in ClinVar:

ClinVar aggregate classification (germline): Uncertain significance. Review status: criteria provided, multiple submitters, no conflicts (2 of 4 stars). 3 submissions from 3 submitters: Uncertain significance (2). 1 of the submissions does not count toward it. Last evaluated 2025-07-31.

Conditions:
Hereditary breast ovarian cancer syndrome. Also called: Breast and ovarian cancer; Hereditary breast and ovarian cancer; Hereditary breast and ovarian cancer syndrome; BRCA1- and BRCA2-Associated Hereditary Breast and Ovarian Cancer; Hereditary breast and ovarian cancer syndrome (HBOC); Hereditary breast and/or ovarian cancer syndrome. Identifiers: Orphanet 145, MedGen C0677776, MeSH D061325, MONDO:0003582. Disease mechanism: loss of function.
Hereditary cancer-predisposing syndrome. Also called: Tumor predisposition; Hereditary Cancer Syndrome; Neoplastic Syndromes, Hereditary; Hereditary neoplastic syndrome. Identifiers: Orphanet 140162, MedGen C0027672, MeSH D009386, MONDO:0015356.
Breast-ovarian cancer, familial, susceptibility to, 2 (BROVCA2). Also called: BRCA2 Hereditary Breast and Ovarian Cancer. Identifiers: Orphanet 145, MedGen C2675520, MONDO:0012933, OMIM 612555. Disease mechanism: loss of function.

Submissions (3):

Labcorp Genetics (formerly Invitae), Labcorp
Classification: Uncertain significance for Hereditary breast ovarian cancer syndrome. Last evaluated: 2025-07-31. Review status: criteria provided, single submitter. Criteria: Invitae Variant Classification Sherloc (09022015). Collection method: clinical testing. Allele origin: germline.
Comment: This sequence change falls in intron 4 of the BRCA2 gene. It does not directly change the encoded amino acid sequence of the BRCA2 protein. This variant is not present in population databases (gnomAD no frequency). This variant has not been reported in the literature in individuals affected with BRCA2-related conditions. ClinVar contains an entry for this variant (Variation ID: 91816). Studies have shown that this variant is associated with inconclusive levels of altered splicing (internal data). In summary, the available evidence is currently insufficient to determine the role of this variant in disease. Therefore, it has been classified as a Variant of Uncertain Significance.

Ambry Genetics
Classification: Uncertain significance for Hereditary cancer-predisposing syndrome. Last evaluated: 2023-04-07. Review status: criteria provided, single submitter. Criteria: Ambry Variant Classification Scheme 2023. Collection method: clinical testing. Allele origin: germline.
Comment: The c.426-12_426-9delGTTT intronic variant results from a deletion of 4 nucleotides within intron 3 of the BRCA2 gene. These nucleotide positions are well conserved in available vertebrate species. In silico splice site analysis for this alteration is inconclusive. RNA studies have demonstrated that this alteration results in substantial abnormal splicing in the set of samples tested (Ambry internal data). However, a close-match alteration at BRCA2 c.426-12_426-8delGTTTT, which has a similar splice profile, has been reported in trans with other pathogenic BRCA2 variants in patients of unknown age and phenotype who do not have overt symptoms of Fanconi Anemia (Ambry internal data; Nix, P et al. JCO Prec. Onc. 2020 June;4:790-35).. Since supporting evidence is conflicting at this time, the clinical significance of this alteration remains unclear.

Sharing Clinical Reports Project (SCRP)
Classification: Uncertain significance for Breast-ovarian cancer, familial 2. Last evaluated: 2010-02-25. Review status: no assertion criteria provided. Collection method: clinical testing. Allele origin: germline. Not counted in ClinVar's aggregate classification.

NM_000059.4(BRCA2):c.426-12_426-9del

Gene: BRCA2 (BRCA2 DNA repair associated; plus strand). Cytogenetic location: 13q13.1.
Variant type: Deletion.
Coding change: c.426-12_426-9del on transcript NM_000059.4 (MANE Select); 12 bases into the intron before coding-DNA position 426 through 9 bases into the intron before coding-DNA position 426, 4 bases deleted (GTTT; older notation c.426-12_426-9delGTTT).
Molecular consequence: intron variant.
Genome position (GRCh38, 1-based): chr13:32,326,089-32,326,092, GTTT deleted; deleting any 4 consecutive bases within chr13:32,326,086-32,326,092 gives the same sequence; the c. name uses the placement nearest the transcript's 3' end. VCF-style (leftmost placement, unchanged base first): chr13-32326085-CTTTG-C. GRCh37 (hg19) VCF-style: chr13-32900222-CTTTG-C.
Other names: IVS4-12del4; c.426-12_426-9delGTTT (NM_000059.3).
Identifiers: ClinVar variation 91816 (VCV000091816.14), dbSNP rs398122778, ClinGen allele CA019838.